The following is an entry in ClinVar:

NM_001166114.2(PNPLA6):c.2843C>T (p.Ser948Phe)

Gene: PNPLA6 (patatin like domain 6, lysophospholipase; plus strand). Cytogenetic location: 19p13.2.
Variant type: single nucleotide variant.
Coding change: c.2843C>T on transcript NM_001166114.2 (MANE Select); coding-DNA position 2843, C replaced by T.
Protein change: p.Ser948Phe; replaces serine 948 with phenylalanine.
Molecular consequence: missense variant.
Genome position (GRCh38, 1-based): chr19:7,555,274, C>T. VCF-style: chr19-7555274-C-T. GRCh37 (hg19) VCF-style: chr19-7620160-C-T.
Other names: c.2873C>T, p.Ser958Phe (NM_001166111.2); c.2648C>T, p.Ser883Phe (NM_001166112.2); c.2729C>T, p.Ser910Phe (NM_001166113.1, NM_006702.5); short protein forms S883F, S910F, S958F, S948F.
Identifiers: ClinVar variation 1938285 (VCV001938285.5), dbSNP rs2512553573, ClinGen allele CA403130443.

ClinVar aggregate classification (germline): Uncertain significance (1 of 4 stars; one submission).

Conditions:
Hereditary spastic paraplegia 39 (SPG39). Also called: SPASTIC PARAPLEGIA 39, AUTOSOMAL RECESSIVE; Spastic Paraplegia Type 39 (SPG39). Identifiers: Orphanet 139480, MedGen C2677586, MONDO:0012787, OMIM 612020.

Submission:

Labcorp Genetics (formerly Invitae), Labcorp
Classification: Uncertain significance for Hereditary spastic paraplegia 39. Last evaluated: 2022-07-28. Review status: criteria provided, single submitter. Criteria: Invitae Variant Classification Sherloc (09022015). Collection method: clinical testing. Allele origin: germline.
Comment: In summary, the available evidence is currently insufficient to determine the role of this variant in disease. Therefore, it has been classified as a Variant of Uncertain Significance. This sequence change replaces serine, which is neutral and polar, with phenylalanine, which is neutral and non-polar, at codon 910 of the PNPLA6 protein (p.Ser910Phe). This variant is not present in population databases (gnomAD no frequency). This variant has not been reported in the literature in individuals affected with PNPLA6-related conditions. Algorithms developed to predict the effect of missense changes on protein structure and function (SIFT, PolyPhen-2, Align-GVGD) all suggest that this variant is likely to be tolerated.